The following is an entry in ClinVar:

NM_000219.6(KCNE1):c.240C>G (p.Val80=)

Gene: KCNE1 (potassium voltage-gated channel subfamily E regulatory subunit 1; minus strand). Cytogenetic location: 21q22.12.
Variant type: single nucleotide variant.
Coding change: c.240C>G on transcript NM_000219.6 (MANE Select); coding-DNA position 240, C replaced by G.
Protein change: p.Val80=; no amino-acid change (valine 80 retained).
Molecular consequence: synonymous variant.
Genome position (GRCh38, 1-based): chr21:34,449,395, G>C on the plus strand (C>G on the coding strand, the complement: KCNE1 is on the minus strand). VCF-style: chr21-34449395-G-C. GRCh37 (hg19) VCF-style: chr21-35821693-G-C.
Other names: c.240C>G, p.Val80= (NM_001127668.4, NM_001127669.4, NM_001127670.4 and 4 more transcripts).
Identifiers: ClinVar variation 3374413 (VCV003374413.2).
Genomic context (GRCh38, chr21:34,449,395, plus strand): 5'-CAGGACCCGGGCCTGGACATAGGCCTTGTCCTTCTCTTGCCAGGCATCGGACTCGATGTA[G>C]ACGTTGAATGGGTCGTTCGAGTGCTCCAGCTTCTTGGAGCGGATGTAGCTCAGCATGATG-3'
Protein context (NP_000210.2, residues 70-90): KLEHSNDPFN[Val80=]YIESDAWQEK

Conditions:
Long QT syndrome 5 (LQT5). Identifiers: Orphanet 101016, Orphanet 768, MedGen C1867904, MONDO:0013372, OMIM 613695.

Submission:

Roden Lab, Vanderbilt University Medical Center
No classification provided (evidence only). Condition: Long QT syndrome 5. Review status: no classification provided. Collection method: in vitro. Allele origin: not applicable. Functional consequence: Effect on ion channel function.
ClinVar note: "not provided" was previously submitted as the classification for the variant. However, the classification appeared to be based only on an observation of functional data so it was converted to no classification on 2025-07-30.